The following is an entry in ClinVar:

ClinVar aggregate classification (germline): Uncertain significance (1 of 4 stars; one submission).

gnomAD v4.1: 1 of 1,612,186 alleles (0.000062%); highest among the groups gnomAD compares: South Asian, 0.0011%; no homozygotes.

Submission:

Labcorp Genetics (formerly Invitae), Labcorp
Classification: Uncertain significance. Last evaluated: 2025-09-20. Review status: criteria provided, single submitter. Criteria: Invitae Variant Classification Sherloc (09022015). Collection method: clinical testing. Allele origin: germline.
Comment: This sequence change replaces glutamine, which is neutral and polar, with arginine, which is basic and polar, at codon 480 of the COL11A2 protein (p.Gln480Arg). This variant is not present in population databases (gnomAD no frequency). This variant has not been reported in the literature in individuals affected with COL11A2-related conditions. Invitae Evidence Modeling of protein sequence and biophysical properties (such as structural, functional, and spatial information, amino acid conservation, physicochemical variation, residue mobility, and thermodynamic stability) indicates that this missense variant is not expected to disrupt COL11A2 protein function with a negative predictive value of 95%. In summary, the available evidence is currently insufficient to determine the role of this variant in disease. Therefore, it has been classified as a Variant of Uncertain Significance.

NM_080680.3(COL11A2):c.1439A>G (p.Gln480Arg)

Gene: COL11A2 (collagen type XI alpha 2 chain; minus strand). Cytogenetic location: 6p21.32.
Variant type: single nucleotide variant.
Coding change: c.1439A>G on transcript NM_080680.3 (MANE Select); coding-DNA position 1439, A replaced by G.
Protein change: p.Gln480Arg; replaces glutamine 480 with arginine.
Molecular consequence: missense variant.
Genome position (GRCh38, 1-based): chr6:33,179,726, T>C on the plus strand (A>G on the coding strand, the complement: COL11A2 is on the minus strand). VCF-style: chr6-33179726-T-C. GRCh37 (hg19) VCF-style: chr6-33147503-T-C.
Other names: c.1259A>G, p.Gln420Arg (NM_001424108.1); c.593A>G, p.Gln198Arg (NM_001424109.1); c.413A>G, p.Gln138Arg (NM_001424110.1, NM_001424111.1); c.1118A>G, p.Gln373Arg (NM_080679.3); c.1181A>G, p.Gln394Arg (NM_080681.3); short protein forms Q138R, Q198R, Q373R, Q394R, Q420R, Q480R.
Identifiers: ClinVar variation 4801327 (VCV004801327.1).